The following is an entry in ClinVar:

NM_201384.3(PLEC):c.12178C>T (p.Arg4060Trp)

Gene: PLEC (plectin; minus strand). Cytogenetic location: 8q24.3.
Variant type: single nucleotide variant.
Coding change: c.12178C>T on transcript NM_201384.3 (MANE Select); coding-DNA position 12178, C replaced by T.
Protein change: p.Arg4060Trp; replaces arginine 4060 with tryptophan.
Molecular consequence: missense variant.
Genome position (GRCh38, 1-based): chr8:143,917,643, G>A on the plus strand (C>T on the coding strand, the complement: PLEC is on the minus strand). VCF-style: chr8-143917643-G-A. GRCh37 (hg19) VCF-style: chr8-144991811-G-A.
Other names: c.12259C>T, p.Arg4087Trp (NM_000445.5); c.12136C>T, p.Arg4046Trp (NM_201378.4); c.12112C>T, p.Arg4038Trp (NM_201379.3); c.12589C>T, p.Arg4197Trp (NM_201380.4); c.12082C>T, p.Arg4028Trp (NM_201381.3); c.12178C>T, p.Arg4060Trp (NM_201382.4); c.12190C>T, p.Arg4064Trp (NM_201383.3); short protein forms R4028W, R4060W, R4064W, R4038W, R4046W, R4197W, R4087W.
Identifiers: ClinVar variation 1520668 (VCV001520668.8), dbSNP rs782164454, ClinGen allele CA187607248.

ClinVar aggregate classification (germline): Uncertain significance (1 of 4 stars; one submission).

Conditions:
Epidermolysis bullosa simplex 5B, with muscular dystrophy (EBS5B). Also called: EPIDERMOLYSIS BULLOSA SIMPLEX AND LIMB-GIRDLE MUSCULAR DYSTROPHY; Epidermolysis bullosa simplex with muscular dystrophy. Identifiers: Orphanet 257, MedGen C2931072, MONDO:0009181, OMIM 226670.
Epidermolysis bullosa simplex with nail dystrophy (EBS5D). Identifiers: MedGen C4225309, MONDO:0014661, OMIM 616487.
Epidermolysis bullosa simplex, Ogna type (EBS5A). Also called: Pidermolysis bullosa simplex 5A, Ogna type; EPIDERMOLYSIS BULLOSA SIMPLEX 5A, OGNA TYPE. Identifiers: Orphanet 79401, MedGen C0432317, MONDO:0007555, OMIM 131950.
Epidermolysis bullosa simplex 5C, with pyloric atresia (EBS5C). Also called: PLEC-Related Epidermolysis Bullosa with Pyloric Atresia; Epidermolysis bullosa simplex with pyloric atresia; PLEC1-Related Epidermolysis Bullosa with Pyloric Atresia. Identifiers: Orphanet 158684, MedGen C2677349, MONDO:0012807, OMIM 612138.
Autosomal recessive limb-girdle muscular dystrophy type 2Q (LGMDR17). Also called: MUSCULAR DYSTROPHY, LIMB-GIRDLE, AUTOSOMAL RECESSIVE 17. Identifiers: Orphanet 254361, MedGen C3150989, MONDO:0013390, OMIM 613723.

Allele frequency attached by ClinVar (database versions not stated): gnomAD exomes below 0.00001 and 0.00001; TOPMed below 0.00001.
gnomAD v4.1: 15 of 1,613,680 alleles (0.00093%); highest among the groups gnomAD compares: Admixed American, 0.0017%; no homozygotes.

Submission:

Labcorp Genetics (formerly Invitae), Labcorp
Classification: Uncertain significance for Autosomal recessive limb-girdle muscular dystrophy type 2Q; Epidermolysis bullosa simplex, Ogna type; Epidermolysis bullosa simplex with nail dystrophy; Epidermolysis bullosa simplex 5C, with pyloric atresia; Epidermolysis bullosa simplex 5B, with muscular dystrophy. Last evaluated: 2022-04-10. Review status: criteria provided, single submitter. Criteria: Invitae Variant Classification Sherloc (09022015). Collection method: clinical testing. Allele origin: germline.
Comment: This variant is present in population databases (rs782164454, gnomAD 0.0009%). This variant has not been reported in the literature in individuals affected with PLEC-related conditions. Algorithms developed to predict the effect of missense changes on protein structure and function (SIFT, PolyPhen-2, Align-GVGD) all suggest that this variant is likely to be disruptive. In summary, the available evidence is currently insufficient to determine the role of this variant in disease. Therefore, it has been classified as a Variant of Uncertain Significance. This sequence change replaces arginine, which is basic and polar, with tryptophan, which is neutral and slightly polar, at codon 4087 of the PLEC protein (p.Arg4087Trp).